The following is an entry in ClinVar:

NM_006739.4(MCM5):c.256G>A (p.Asp86Asn)

Gene: MCM5 (minichromosome maintenance complex component 5; plus strand). Cytogenetic location: 22q12.3.
Variant type: single nucleotide variant.
Coding change: c.256G>A on transcript NM_006739.4 (MANE Select); coding-DNA position 256, G replaced by A.
Protein change: p.Asp86Asn; replaces aspartic acid 86 with asparagine.
Molecular consequence: missense variant.
Genome position (GRCh38, 1-based): chr22:35,403,295, G>A. VCF-style: chr22-35403295-G-A. GRCh37 (hg19) VCF-style: chr22-35799288-G-A.
Other names: short protein forms D86N.
Identifiers: ClinVar variation 1907095 (VCV001907095.5), dbSNP rs752756782, ClinGen allele CA10204963.
Genomic context (GRCh38, chr22:35,403,295, plus strand): 5'-GGGGAGTACTGGATTGAGGTGGAGATGGAGGATCTGGCCAGCTTTGATGAGGACCTGGCC[G>A]ACTACTTGTACAAGCAGCCAGCCGAGCACCTGCAGCTGGTGAGTGGGACCCCATCCCTGA-3'
Protein context (NP_006730.2, residues 76-96): DLASFDEDLA[Asp86Asn]YLYKQPAEHL

ClinVar aggregate classification (germline): Uncertain significance (1 of 4 stars; one submission).

Allele frequency attached by ClinVar (database versions not stated): gnomAD exomes 0.00001; TOPMed 0.00001; ExAC 0.00002.
gnomAD v4.1: 20 of 1,614,144 alleles (0.0012%); highest among the groups gnomAD compares: African/African-American, 0.004%; no homozygotes.

Submission:

Labcorp Genetics (formerly Invitae), Labcorp
Classification: Uncertain significance. Last evaluated: 2024-03-03. Review status: criteria provided, single submitter. Criteria: Invitae Variant Classification Sherloc (09022015). Collection method: clinical testing. Allele origin: germline.
Comment: This sequence change replaces aspartic acid, which is acidic and polar, with asparagine, which is neutral and polar, at codon 86 of the MCM5 protein (p.Asp86Asn). This variant is present in population databases (rs752756782, gnomAD 0.02%). This variant has not been reported in the literature in individuals affected with MCM5-related conditions. ClinVar contains an entry for this variant (Variation ID: 1907095). Advanced modeling of protein sequence and biophysical properties (such as structural, functional, and spatial information, amino acid conservation, physicochemical variation, residue mobility, and thermodynamic stability) performed at Invitae indicates that this missense variant is not expected to disrupt MCM5 protein function with a negative predictive value of 80%. In summary, the available evidence is currently insufficient to determine the role of this variant in disease. Therefore, it has been classified as a Variant of Uncertain Significance.